The following is an entry in ClinVar:

NM_001378454.1(ALMS1):c.-21C>T

Gene: ALMS1 (ALMS1 centrosome and basal body associated protein; plus strand). Cytogenetic location: 2p13.1.
Variant type: single nucleotide variant.
Coding change: c.-21C>T on transcript NM_001378454.1 (MANE Select); 21 bases upstream of the start codon, C replaced by T.
Molecular consequence: 5 prime UTR variant.
Genome position (GRCh38, 1-based): chr2:73,385,848, C>T. VCF-style: chr2-73385848-C-T. GRCh37 (hg19) VCF-style: chr2-73612976-C-T.
Other names: c.-21C>T (NM_015120.4).
Identifiers: ClinVar variation 509001 (VCV000509001.1), dbSNP rs530120421, ClinGen allele CA1712716.

ClinVar aggregate classification (germline): Likely benign (1 of 4 stars; one submission).

Allele frequency attached by ClinVar (database versions not stated): ExAC below 0.00001; 1000 Genomes Project 0.00020; TOPMed 0.00020; gnomAD 0.00022 and 0.00023; 1000 Genomes Project 30x 0.00031.
gnomAD v4.1: 63 of 715,324 alleles (0.0088%); highest among the groups gnomAD compares: African/African-American, 0.079%; no homozygotes.

Submission:

GeneDx
Classification: Likely benign. Last evaluated: 2017-11-20. Review status: criteria provided, single submitter. Criteria: GeneDx Variant Classification (06012015). Collection method: clinical testing. Allele origin: germline. Affected: yes.
Comment: This variant is considered likely benign or benign based on one or more of the following criteria: it is a conservative change, it occurs at a poorly conserved position in the protein, it is predicted to be benign by multiple in silico algorithms, and/or has population frequency not consistent with disease.